The following is an entry in ClinVar:

NM_001130987.2(DYSF):c.1775A>G (p.Asp592Gly)

Gene: DYSF (dysferlin; plus strand). Cytogenetic location: 2p13.2.
Variant type: single nucleotide variant.
Coding change: c.1775A>G on transcript NM_001130987.2 (MANE Select); coding-DNA position 1775, A replaced by G.
Protein change: p.Asp592Gly; replaces aspartic acid 592 with glycine.
Molecular consequence: missense variant.
Genome position (GRCh38, 1-based): chr2:71,551,689, A>G. VCF-style: chr2-71551689-A-G. GRCh37 (hg19) VCF-style: chr2-71778819-A-G.
Other names: c.1724A>G, p.Asp575Gly (NM_001130455.2, NM_001130983.2); c.1679A>G, p.Asp560Gly (NM_001130976.2, NM_001130977.2); c.1721A>G, p.Asp574Gly (NM_001130978.2, NM_003494.4); c.1814A>G, p.Asp605Gly (NM_001130979.2); c.1772A>G, p.Asp591Gly (NM_001130980.2, NM_001130981.2); c.1817A>G, p.Asp606Gly (NM_001130982.2); c.1682A>G, p.Asp561Gly (NM_001130984.2, NM_001130986.2); c.1775A>G, p.Asp592Gly (NM_001130985.2); short protein forms D561G, D575G, D592G, D560G, D605G, D574G, D591G, D606G.
Identifiers: ClinVar variation 2129652 (VCV002129652.4), dbSNP rs2545674136, ClinGen allele CA347217718.
Genomic context (GRCh38, chr2:71,551,689, plus strand): 5'-GCCGGCTTCTGCTCTCCCTGGAGACCAAGCTGGTGGAGCACAGTGAACAGAAGGTGGAGG[A>G]CCTTCCTGCGGATGACATCCTCCGGGTGGAGGTGAGGGGTGTGGCTCTGGGTGGGAGCTG-3'
Protein context (NP_001124459.1, residues 582-602): LVEHSEQKVE[Asp592Gly]LPADDILRVE

ClinVar aggregate classification (germline): Uncertain significance (1 of 4 stars; one submission).

Conditions:
Neuromuscular disease caused by qualitative or quantitative defects of dysferlin. Also called: Dysferlinopathy; Qualitative or quantitative defects of dysferlin. Identifiers: Orphanet 207073, MedGen C2931687, MONDO:0016145.

Allele frequency attached by ClinVar (database versions not stated): gnomAD exomes below 0.00001.
gnomAD v4.1: 1 of 1,608,862 alleles (0.000062%); highest among the groups gnomAD compares: Non-Finnish European, 0.000085%; no homozygotes.

Submission:

Labcorp Genetics (formerly Invitae), Labcorp
Classification: Uncertain significance for Neuromuscular disease caused by qualitative or quantitative defects of dysferlin. Last evaluated: 2022-04-23. Review status: criteria provided, single submitter. Criteria: Invitae Variant Classification Sherloc (09022015). Collection method: clinical testing. Allele origin: germline.
Comment: This sequence change replaces aspartic acid, which is acidic and polar, with glycine, which is neutral and non-polar, at codon 574 of the DYSF protein (p.Asp574Gly). This variant is not present in population databases (gnomAD no frequency). In summary, the available evidence is currently insufficient to determine the role of this variant in disease. Therefore, it has been classified as a Variant of Uncertain Significance. Advanced modeling of protein sequence and biophysical properties (such as structural, functional, and spatial information, amino acid conservation, physicochemical variation, residue mobility, and thermodynamic stability) performed at Invitae indicates that this missense variant is not expected to disrupt DYSF protein function. This variant has not been reported in the literature in individuals affected with DYSF-related conditions.